The following is an entry in ClinVar:

NM_005609.4(PYGM):c.1905G>A (p.Pro635=)

Gene: PYGM (glycogen phosphorylase, muscle associated; minus strand). Cytogenetic location: 11q13.1.
Variant type: single nucleotide variant.
Coding change: c.1905G>A on transcript NM_005609.4 (MANE Select); coding-DNA position 1905, G replaced by A.
Protein change: p.Pro635=; no amino-acid change (proline 635 retained).
Molecular consequence: synonymous variant.
Genome position (GRCh38, 1-based): chr11:64,751,389, C>T on the plus strand (G>A on the coding strand, the complement: PYGM is on the minus strand). VCF-style: chr11-64751389-C-T. GRCh37 (hg19) VCF-style: chr11-64518861-C-T.
Other names: c.1641G>A, p.Pro547= (NM_001164716.1).
Identifiers: ClinVar variation 1149185 (VCV001149185.12), dbSNP rs759582306, ClinGen allele CA6079679.

ClinVar aggregate classification (germline): Conflicting classifications of pathogenicity. Review status: criteria provided, conflicting classifications (1 of 4 stars). 3 submissions from 3 submitters: Uncertain significance (1); Likely benign (2). Last evaluated 2026-05-01.

Conditions:
Glycogen storage disease, type V (GSD5). Also called: MCARDLE DISEASE; McArdle type glycogen storage disease; MUSCLE GLYCOGEN PHOSPHORYLASE DEFICIENCY; MYOPHOSPHORYLASE DEFICIENCY; PYGM DEFICIENCY. Identifiers: Orphanet 368, MedGen C0017924, MONDO:0009293, OMIM 232600.

Allele frequency attached by ClinVar (database versions not stated): ExAC 0.00002; gnomAD exomes 0.00003; gnomAD 0.00004; TOPMed 0.00005.

Submissions (3):

CeGaT Center for Human Genetics Tuebingen
Classification: Likely benign. Last evaluated: 2026-05-01. Review status: criteria provided, single submitter. Criteria: CeGaT Center For Human Genetics Tuebingen Variant Classification Criteria Version 2. Collection method: clinical testing. Allele origin: germline. Affected: yes. Observed: 1 variant allele.
Comment: PYGM: BP4, BP7

Labcorp Genetics (formerly Invitae), Labcorp
Classification: Likely benign for Glycogen storage disease, type V. Last evaluated: 2025-08-03. Review status: criteria provided, single submitter. Criteria: Invitae Variant Classification Sherloc (09022015). Collection method: clinical testing. Allele origin: germline.

Fulgent Genetics
Classification: Uncertain significance for Glycogen storage disease, type V. Last evaluated: 2023-12-27. Review status: criteria provided, single submitter. Criteria: ACMG Guidelines, 2015. Collection method: clinical testing. Allele origin: germline.